The following is an entry in ClinVar:

NM_002645.4(PIK3C2A):c.2123A>G (p.Tyr708Cys)

Gene: PIK3C2A (phosphatidylinositol-4-phosphate 3-kinase catalytic subunit type 2 alpha; minus strand). Cytogenetic location: 11p15.1.
Variant type: single nucleotide variant.
Coding change: c.2123A>G on transcript NM_002645.4 (MANE Select); coding-DNA position 2123, A replaced by G.
Protein change: p.Tyr708Cys; replaces tyrosine 708 with cysteine.
Molecular consequence: missense variant.
Genome position (GRCh38, 1-based): chr11:17,132,024, T>C on the plus strand (A>G on the coding strand, the complement: PIK3C2A is on the minus strand). VCF-style: chr11-17132024-T-C. GRCh37 (hg19) VCF-style: chr11-17153571-T-C.
Other names: c.2123A>G, p.Tyr708Cys (NM_001321378.2, NM_001386870.1); c.983A>G, p.Tyr328Cys (NM_001321380.2); c.2123A>G (NM_002645.2); short protein forms Y328C, Y708C.
Identifiers: ClinVar variation 2179250 (VCV002179250.4), dbSNP rs368036462, ClinGen allele CA5901176.

ClinVar aggregate classification (germline): Uncertain significance. Review status: criteria provided, multiple submitters, no conflicts (2 of 4 stars). 2 submissions from 2 submitters: Uncertain significance (2). Last evaluated 2025-02-11.

Allele frequency attached by ClinVar (database versions not stated): gnomAD exomes 0.00001; ExAC 0.00003; ESP Exome Variant Server 0.00008; gnomAD 0.00010; TOPMed 0.00013; 1000 Genomes Project 30x 0.00016; 1000 Genomes Project 0.00020.
gnomAD v4.1: 31 of 1,524,424 alleles (0.002%); highest among the groups gnomAD compares: African/African-American, 0.032%; no homozygotes.

Submissions (2):

Ambry Genetics
Classification: Uncertain significance. Last evaluated: 2025-02-11. Review status: criteria provided, single submitter. Criteria: Ambry Variant Classification Scheme 2023. Collection method: clinical testing. Allele origin: germline.

Labcorp Genetics (formerly Invitae), Labcorp
Classification: Uncertain significance. Last evaluated: 2024-01-08. Review status: criteria provided, single submitter. Criteria: Invitae Variant Classification Sherloc (09022015). Collection method: clinical testing. Allele origin: germline.
Comment: This sequence change replaces tyrosine, which is neutral and polar, with cysteine, which is neutral and slightly polar, at codon 708 of the PIK3C2A protein (p.Tyr708Cys). This variant is present in population databases (rs368036462, gnomAD 0.03%). This variant has not been reported in the literature in individuals affected with PIK3C2A-related conditions. ClinVar contains an entry for this variant (Variation ID: 2179250). An algorithm developed to predict the effect of missense changes on protein structure and function (PolyPhen-2) suggests that this variant is likely to be disruptive. In summary, the available evidence is currently insufficient to determine the role of this variant in disease. Therefore, it has been classified as a Variant of Uncertain Significance.